The following is an entry in ClinVar:

NM_022841.7(RFX7):c.1519A>G (p.Ser507Gly)

Gene: RFX7 (regulatory factor X7; minus strand). Cytogenetic location: 15q21.3.
Variant type: single nucleotide variant.
Coding change: c.1519A>G on transcript NM_022841.7 (MANE Select); coding-DNA position 1519, A replaced by G.
Protein change: p.Ser507Gly; replaces serine 507 with glycine.
Molecular consequence: missense variant.
Genome position (GRCh38, 1-based): chr15:56,096,209, T>C on the plus strand (A>G on the coding strand, the complement: RFX7 is on the minus strand). VCF-style: chr15-56096209-T-C. GRCh37 (hg19) VCF-style: chr15-56388407-T-C.
Other names: c.1228A>G, p.Ser410Gly (NM_001368073.2, NM_001368074.1, NM_001370554.1); c.1519A>G, p.Ser507Gly (NM_001370561.1); short protein forms S410G, S507G.
Identifiers: ClinVar variation 2393746 (VCV002393746.4), dbSNP rs201968974, ClinGen allele CA7578289.

ClinVar aggregate classification (germline): Likely benign. Review status: criteria provided, single submitter (1 of 4 stars). 2 submissions from 2 submitters: Likely benign (1). 1 of the submissions does not count toward it. Last evaluated 2022-02-09.

Conditions:
Inborn genetic diseases. Identifiers: MedGen C0950123, MeSH D030342.
RFX7-related disorder. Also called: RFX7-related condition.

Allele frequency attached by ClinVar (database versions not stated): ExAC 0.00011; 1000 Genomes Project 0.00040; 1000 Genomes Project 30x 0.00047; gnomAD 0.00047; ESP Exome Variant Server 0.00048; TOPMed 0.00049.
gnomAD v4.1: 125 of 1,613,924 alleles (0.0077%); highest among the groups gnomAD compares: African/African-American, 0.16%; no homozygotes.

Submissions (2):

Ambry Genetics
Classification: Likely benign for Inborn genetic diseases. Last evaluated: 2022-02-09. Review status: criteria provided, single submitter. Criteria: Ambry Variant Classification Scheme 2023. Collection method: clinical testing. Allele origin: germline.

PreventionGenetics, part of Exact Sciences
Classification: Likely benign for RFX7-related condition. Last evaluated: 2022-06-17. Review status: no assertion criteria provided. Collection method: clinical testing. Allele origin: germline. Not counted in ClinVar's aggregate classification.
Comment: This variant is classified as likely benign based on ACMG/AMP sequence variant interpretation guidelines (Richards et al. 2015 PMID: 25741868, with internal and published modifications).